The following is an entry in ClinVar:

NM_000057.4(BLM):c.865A>T (p.Ile289Phe)

Gene: BLM (BLM RecQ like helicase; plus strand). Cytogenetic location: 15q26.1.
Variant type: single nucleotide variant.
Coding change: c.865A>T on transcript NM_000057.4 (MANE Select); coding-DNA position 865, A replaced by T.
Protein change: p.Ile289Phe; replaces isoleucine 289 with phenylalanine.
Molecular consequence: missense variant. On other transcripts: 5 prime UTR variant (1).
Genome position (GRCh38, 1-based): chr15:90,751,852, A>T. VCF-style: chr15-90751852-A-T. GRCh37 (hg19) VCF-style: chr15-91295082-A-T.
Other names: c.865A>T, p.Ile289Phe (NM_001287246.2, NM_001287247.2); c.-427A>T (NM_001287248.2); c.865A>T (NM_000057.2); short protein forms I289F.
Identifiers: ClinVar variation 1049517 (VCV001049517.2), dbSNP rs1895693953, ClinGen allele CA393841758.
Genomic context (GRCh38, chr15:90,751,852, plus strand): 5'-AGCGAAAAGAAGAAGAATTTGGAAGAAGCTGAATTACATTCAACTGAGAAAGTTCCATGT[A>T]TTGAATTTGATGATGATGATTATGATACGGATTTTGTTCCACCTTCTCCAGAAGAAATTA-3'
Protein context (NP_000048.1, residues 279-299): ELHSTEKVPC[Ile289Phe]EFDDDDYDTD

ClinVar aggregate classification (germline): Uncertain significance. Review status: criteria provided, single submitter (1 of 4 stars). 2 submissions from 2 submitters: Uncertain significance (1). 1 of the submissions does not count toward it. Last evaluated 2025-06-23.

Conditions:
Hereditary cancer-predisposing syndrome. Also called: Tumor predisposition; Hereditary neoplastic syndrome; Hereditary Cancer Syndrome; Neoplastic Syndromes, Hereditary. Identifiers: Orphanet 140162, MedGen C0027672, MeSH D009386, MONDO:0015356.

gnomAD v4.1: 1 of 1,612,478 alleles (0.000062%); highest among the groups gnomAD compares: Non-Finnish European, 0.000085%; no homozygotes.

Submissions (2):

Ambry Genetics
Classification: Uncertain significance for Hereditary cancer-predisposing syndrome. Last evaluated: 2025-06-23. Review status: criteria provided, single submitter. Criteria: Ambry Variant Classification Scheme 2023. Collection method: clinical testing. Allele origin: germline.
Comment: The p.I289F variant (also known as c.865A>T), located in coding exon 3 of the BLM gene, results from an A to T substitution at nucleotide position 865. The isoleucine at codon 289 is replaced by phenylalanine, an amino acid with highly similar properties. This amino acid position is conserved. In addition, this alteration is predicted to be tolerated by in silico analysis. Based on the available evidence, the clinical significance of this variant remains unclear.

Department of Pathology and Laboratory Medicine, Sinai Health System
Classification: Uncertain significance. Review status: no assertion criteria provided. Collection method: clinical testing. Allele origin: unknown. Affected: yes. Study: The Canadian Open Genetics Repository (COGR). Not counted in ClinVar's aggregate classification.
Comment: The BLM p.Ile289Phe variant was not identified in the literature nor was it identified in dbSNP, ClinVar, Cosmic, LOVD 3.0 or in the following control databases: the 1000 Genomes Project, the NHLBI GO Exome Sequencing Project, the Exome Aggregation Consortium (August 8th 2016), or the Genome Aggregation Database (March 6, 2019, v2.1.1). The p.Ile289 residue is not conserved in mammals and computational analyses (PolyPhen-2, SIFT, AlignGVGD, BLOSUM, MutationTaster) do not suggest a high likelihood of impact to the protein; however, this information is not predictive enough to rule out pathogenicity. The variant occurs outside of the splicing consensus sequence and in silico or computational prediction software programs (SpliceSiteFinder, MaxEntScan, NNSPLICE, GeneSplicer) do not predict a difference in splicing. In summary, based on the above information the clinical significance of this variant cannot be determined with certainty at this time. This variant is classified as a variant of uncertain significance.